The following is an entry in ClinVar:

ClinVar aggregate classification (germline): Uncertain significance (1 of 4 stars; one submission).

Conditions:
Tuberous sclerosis 2 (TSC2). Identifiers: Orphanet 805, MedGen C1860707, MONDO:0013199, OMIM 613254.

Allele frequency attached by ClinVar (database versions not stated): gnomAD exomes below 0.00001.
gnomAD v4.1: 2 of 1,613,666 alleles (0.00012%); highest among the groups gnomAD compares: Non-Finnish European, 0.00017%; no homozygotes.

Submission:

Labcorp Genetics (formerly Invitae), Labcorp
Classification: Uncertain significance for Tuberous sclerosis 2. Last evaluated: 2022-09-07. Review status: criteria provided, single submitter. Criteria: Invitae Variant Classification Sherloc (09022015). Collection method: clinical testing. Allele origin: germline.
Comment: In summary, the available evidence is currently insufficient to determine the role of this variant in disease. Therefore, it has been classified as a Variant of Uncertain Significance. Advanced modeling of protein sequence and biophysical properties (such as structural, functional, and spatial information, amino acid conservation, physicochemical variation, residue mobility, and thermodynamic stability) performed at Invitae indicates that this missense variant is not expected to disrupt TSC2 protein function. This variant has not been reported in the literature in individuals affected with TSC2-related conditions. This variant is not present in population databases (gnomAD no frequency). This sequence change replaces arginine, which is basic and polar, with threonine, which is neutral and polar, at codon 759 of the TSC2 protein (p.Arg759Thr).

NM_000548.5(TSC2):c.2276G>C (p.Arg759Thr)

Gene: TSC2 (TSC complex subunit 2; plus strand). Cytogenetic location: 16p13.3.
Variant type: single nucleotide variant.
Coding change: c.2276G>C on transcript NM_000548.5 (MANE Select); coding-DNA position 2276, G replaced by C.
Protein change: p.Arg759Thr; replaces arginine 759 with threonine.
Molecular consequence: missense variant.
Genome position (GRCh38, 1-based): chr16:2,072,904, G>C. VCF-style: chr16-2072904-G-C. GRCh37 (hg19) VCF-style: chr16-2122905-G-C.
Other names: c.2276G>C, p.Arg759Thr (NM_001077183.3, NM_001114382.3, NM_001363528.2 and 6 more transcripts); c.2165G>C, p.Arg722Thr (NM_001318827.2, NM_001406678.1, NM_001406670.1); c.2129G>C, p.Arg710Thr (NM_001318829.2, NM_001406676.1, NM_001406679.1 and 1 more transcripts); c.1676G>C, p.Arg559Thr (NM_001318831.2, NM_001406680.1, NM_001406682.1 and 6 more transcripts); c.2309G>C, p.Arg770Thr (NM_001318832.2); c.2219G>C, p.Arg740Thr (NM_001406677.1); c.1814G>C, p.Arg605Thr (NM_001406681.1); c.932G>C, p.Arg311Thr (NM_001406695.1, NM_001406696.1, NM_001406697.1 and 6 more transcripts); and 3 more; short protein forms R710T, R722T, R740T, R755T, R770T, R559T, R759T, R225T.
Identifiers: ClinVar variation 1977737 (VCV001977737.5), dbSNP rs2543765012, ClinGen allele CA394276561.